The following is an entry in ClinVar:

NM_001370259.2(MEN1):c.1516A>C (p.Thr506Pro)

Gene: MEN1 (menin 1; minus strand). Cytogenetic location: 11q13.1.
Variant type: single nucleotide variant.
Coding change: c.1516A>C on transcript NM_001370259.2 (MANE Select); coding-DNA position 1516, A replaced by C.
Protein change: p.Thr506Pro; replaces threonine 506 with proline.
Molecular consequence: missense variant.
Genome position (GRCh38, 1-based): chr11:64,804,651, T>G on the plus strand (A>C on the coding strand, the complement: MEN1 is on the minus strand). VCF-style: chr11-64804651-T-G. GRCh37 (hg19) VCF-style: chr11-64572123-T-G.
Other names: c.1531A>C, p.Thr511Pro (NM_000244.4, NM_130800.3, NM_130801.3 and 3 more transcripts); c.1642A>C, p.Thr548Pro (NM_001370251.2); c.1516A>C, p.Thr506Pro (NM_001370260.2, NM_001370261.2, NM_130799.3); c.1411A>C, p.Thr471Pro (NM_001370262.2, NM_001370263.2); c.1531A>C (NM_000244.3); short protein forms T506P, T511P, T471P, T548P.
Identifiers: ClinVar variation 403845 (VCV000403845.19), dbSNP rs1060499994, ClinGen allele CA16613440.

ClinVar aggregate classification (germline): Conflicting classifications of pathogenicity. Review status: criteria provided, conflicting classifications (1 of 4 stars). 6 submissions from 6 submitters: Uncertain significance (4); Benign (2). Last evaluated 2026-01-05.

Conditions:
MEN1-related disorder. Also called: MEN1-related condition.
Hereditary cancer-predisposing syndrome. Also called: Neoplastic Syndromes, Hereditary; Tumor predisposition; Hereditary Cancer Syndrome; Hereditary neoplastic syndrome. Identifiers: Orphanet 140162, MedGen C0027672, MeSH D009386, MONDO:0015356.
Multiple endocrine neoplasia, type 1 (MEN1). Also called: MEN I; WERMER SYNDROME; Endocrine adenomatosis multiple; MEN 1; MEA I. Identifiers: Orphanet 652, MedGen C0025267, MeSH D018761, MONDO:0007540, OMIM 131100.

Allele frequency attached by ClinVar (database versions not stated): gnomAD exomes below 0.00001 and 0.00001; gnomAD 0.00001; TOPMed 0.00001.
gnomAD v4.1: 12 of 1,600,210 alleles (0.00075%); highest among the groups gnomAD compares: Non-Finnish European, 0.001%; no homozygotes.

Submissions (6):

Labcorp Genetics (formerly Invitae), Labcorp
Classification: Benign for Multiple endocrine neoplasia, type 1. Last evaluated: 2026-01-05. Review status: criteria provided, single submitter. Criteria: Invitae Variant Classification Sherloc (09022015). Collection method: clinical testing. Allele origin: germline.

Ambry Genetics
Classification: Benign for Hereditary cancer-predisposing syndrome. Last evaluated: 2025-09-05. Review status: criteria provided, single submitter. Criteria: Ambry Variant Classification Scheme 2023. Collection method: clinical testing. Allele origin: germline.

PreventionGenetics, part of Exact Sciences
Classification: Uncertain significance for MEN1-related condition. Last evaluated: 2024-11-11. Review status: criteria provided, single submitter. Criteria: ACMG Guidelines, 2015. Collection method: clinical testing. Allele origin: germline.
Comment: The MEN1 c.1531A>C variant is predicted to result in the amino acid substitution p.Thr511Pro. To our knowledge, this variant has not been reported in the literature. This variant is reported in 0.0010% of alleles in individuals of European (Non-Finnish) descent in gnomAD and is interpreted as uncertain in ClinVar. At this time, the clinical significance of this variant is uncertain due to the absence of conclusive functional and genetic evidence.

All of Us Research Program, National Institutes of Health
Classification: Uncertain significance for Multiple endocrine neoplasia, type 1. Last evaluated: 2023-12-18. Review status: criteria provided, single submitter. Criteria: ACMG Guidelines, 2015. Collection method: clinical testing. Allele origin: germline. Inheritance: Autosomal dominant inheritance. Observed: 5 variant alleles, 5 heterozygotes.
Comment: This missense variant replaces threonine with proline at codon 506 of the MEN1 protein. Computational prediction suggests that this variant may not impact protein structure and function (internally defined REVEL score threshold <= 0.5, PMID: 27666373). To our knowledge, functional studies have not been reported for this variant. This variant has not been reported in individuals affected with MEN1-related disorders in the literature. This variant has been identified in 1/224756 chromosomes in the general population by the Genome Aggregation Database (gnomAD). The available evidence is insufficient to determine the role of this variant in disease conclusively. Therefore, this variant is classified as a Variant of Uncertain Significance.

This study involves interpretation of variants in research participants for the purpose of population health screening. Participant phenotype was not available at the time of variant classification. Additional details can be found in publication PMID: 35346344, PMCID: PMC8962531

Color Diagnostics, LLC DBA Color Health
Classification: Uncertain significance for Multiple endocrine neoplasia, type 1. Last evaluated: 2023-11-22. Review status: criteria provided, single submitter. Criteria: ACMG Guidelines, 2015. Collection method: clinical testing. Allele origin: germline.
Comment: This missense variant replaces threonine with proline at codon 506 of the MEN1 protein. Computational prediction suggests that this variant may not impact protein structure and function. To our knowledge, functional studies have not been reported for this variant. This variant has not been reported in individuals affected with MEN1-related disorders in the literature. This variant has been identified in 1/224756 chromosomes in the general population by the Genome Aggregation Database (gnomAD). The available evidence is insufficient to determine the role of this variant in disease conclusively. Therefore, this variant is classified as a Variant of Uncertain Significance.

Quest Diagnostics Nichols Institute San Juan Capistrano
Classification: Uncertain significance. Last evaluated: 2019-12-11. Review status: criteria provided, single submitter. Criteria: Quest Diagnostics criteria. Collection method: clinical testing. Allele origin: unknown.